The following is an entry in ClinVar:

ClinVar aggregate classification (germline): Uncertain significance (1 of 4 stars; one submission).

Conditions:
Hereditary cancer-predisposing syndrome. Also called: Neoplastic Syndromes, Hereditary; Tumor predisposition; Hereditary Cancer Syndrome; Hereditary neoplastic syndrome. Identifiers: Orphanet 140162, MedGen C0027672, MeSH D009386, MONDO:0015356.

Allele frequency attached by ClinVar (database versions not stated): gnomAD exomes below 0.00001.
gnomAD v4.1: 1 of 1,614,078 alleles (0.000062%); highest among the groups gnomAD compares: South Asian, 0.0011%; no homozygotes.

Submission:

Color Diagnostics, LLC DBA Color Health
Classification: Uncertain significance for Hereditary cancer-predisposing syndrome. Last evaluated: 2023-12-05. Review status: criteria provided, single submitter. Criteria: ACMG Guidelines, 2015. Collection method: clinical testing. Allele origin: germline.
Comment: This missense variant replaces serine with proline at codon 2498 of the APC protein. Computational prediction suggests that this variant may not impact protein structure and function (internally defined REVEL score threshold <= 0.5, PMID: 27666373). To our knowledge, functional studies have not been reported for this variant. This variant has not been reported in individuals affected with APC-related disorders in the literature. This variant has not been identified in the general population by the Genome Aggregation Database (gnomAD). The available evidence is insufficient to determine the role of this variant in disease conclusively. Therefore, this variant is classified as a Variant of Uncertain Significance.

NM_000038.6(APC):c.7492T>C (p.Ser2498Pro)

Gene: APC (APC regulator of Wnt signaling pathway; plus strand). Cytogenetic location: 5q22.2.
Variant type: single nucleotide variant.
Coding change: c.7492T>C on transcript NM_000038.6 (MANE Select); coding-DNA position 7492, T replaced by C.
Protein change: p.Ser2498Pro; replaces serine 2498 with proline.
Molecular consequence: missense variant.
Genome position (GRCh38, 1-based): chr5:112,843,086, T>C. VCF-style: chr5-112843086-T-C. GRCh37 (hg19) VCF-style: chr5-112178783-T-C.
Other names: c.7492T>C, p.Ser2498Pro (NM_001127510.3, NM_001354895.2); c.7438T>C, p.Ser2480Pro (NM_001127511.3); c.7546T>C, p.Ser2516Pro (NM_001354896.2); c.7522T>C, p.Ser2508Pro (NM_001354897.2); c.7417T>C, p.Ser2473Pro (NM_001354898.2); c.7408T>C, p.Ser2470Pro (NM_001354899.2); c.7369T>C, p.Ser2457Pro (NM_001354900.2); c.7315T>C, p.Ser2439Pro (NM_001354901.2); and 5 more; short protein forms S2215P, S2338P, S2397P, S2407P, S2470P, S2516P, S2372P, S2439P.
Identifiers: ClinVar variation 924012 (VCV000924012.4), dbSNP rs1766493069, ClinGen allele CA16037626.
Genomic context (GRCh38, chr5:112,843,086, plus strand): 5'-CAGGCACAAACTCCAGTTTTAAGTCCTTCCCTTCCTGATATGTCTCTATCCACACATTCG[T>C]CTGTTCAGGCTGGTGGATGGCGAAAACTCCCACCTAATCTCAGTCCCACTATAGAGTATA-3'
Protein context (NP_000029.2, residues 2488-2508): LPDMSLSTHS[Ser2498Pro]VQAGGWRKLP